The following is an entry in ClinVar:

ClinVar aggregate classification (germline): Pathogenic (1 of 4 stars; one submission).

Conditions:
Spermatogenic failure 18. Identifiers: MedGen C4539783, MONDO:0054615, OMIM 617576.
Ciliary dyskinesia, primary, 37 (CILD37). Also called: CILIARY DYSKINESIA, PRIMARY, 37, WITH OR WITHOUT SITUS INVERSUS. Identifiers: MedGen C4539798, MONDO:0033204, OMIM 617577.

Allele frequency attached by ClinVar (database versions not stated): gnomAD exomes below 0.00001; TOPMed below 0.00001.
gnomAD v4.1: 1 of 1,611,670 alleles (0.000062%); highest among the groups gnomAD compares: Non-Finnish European, 0.000085%; no homozygotes.

Submission:

Labcorp Genetics (formerly Invitae), Labcorp
Classification: Pathogenic for Ciliary dyskinesia, primary, 37; Spermatogenic failure 18. Last evaluated: 2022-09-26. Review status: criteria provided, single submitter. Criteria: Invitae Variant Classification Sherloc (09022015). Collection method: clinical testing. Allele origin: germline.
Comment: Algorithms developed to predict the effect of sequence changes on RNA splicing suggest that this variant may disrupt the consensus splice site. Disruption of this splice site has been observed in individual(s) with multiple morphological abnormalities of sperm flagella (PMID: 27798045). It has also been observed to segregate with disease in related individuals. This variant is present in population databases (no rsID available, gnomAD 0.0009%). This sequence change affects an acceptor splice site in intron 54 of the DNAH1 gene. It is expected to disrupt RNA splicing. Variants that disrupt the donor or acceptor splice site typically lead to a loss of protein function (PMID: 16199547), and loss-of-function variants in DNAH1 are known to be pathogenic (PMID: 27573432, 27798045). For these reasons, this variant has been classified as Pathogenic.

Literature cited by the submitters: PubMed 27798045; PubMed 16199547; PubMed 27573432.

NM_015512.5(DNAH1):c.8626-1G>C

Gene: DNAH1 (dynein axonemal heavy chain 1; plus strand). Cytogenetic location: 3p21.1.
Variant type: single nucleotide variant.
Coding change: c.8626-1G>C on transcript NM_015512.5 (MANE Select); the canonical splice acceptor site of the intron before coding-DNA position 8626, G replaced by C.
Molecular consequence: splice acceptor variant.
Genome position (GRCh38, 1-based): chr3:52,386,159, G>C. VCF-style: chr3-52386159-G-C. GRCh37 (hg19) VCF-style: chr3-52420175-G-C.
Identifiers: ClinVar variation 2021302 (VCV002021302.4), dbSNP rs1131692250, ClinGen allele CA353189348.